The following is an entry in ClinVar:

ClinVar aggregate classification (germline): Uncertain significance (1 of 4 stars; one submission).

Submission:

Labcorp Genetics (formerly Invitae), Labcorp
Classification: Uncertain significance. Last evaluated: 2022-03-26. Review status: criteria provided, single submitter. Criteria: Invitae Variant Classification Sherloc (09022015). Collection method: clinical testing. Allele origin: germline.
Comment: In summary, the available evidence is currently insufficient to determine the role of this variant in disease. Therefore, it has been classified as a Variant of Uncertain Significance. Algorithms developed to predict the effect of missense changes on protein structure and function are either unavailable or do not agree on the potential impact of this missense change (SIFT: "Tolerated"; PolyPhen-2: "Probably Damaging"; Align-GVGD: "Class C0"). This variant has not been reported in the literature in individuals affected with SLC1A2-related conditions. This variant is not present in population databases (gnomAD no frequency). This sequence change replaces serine, which is neutral and polar, with glycine, which is neutral and non-polar, at codon 441 of the SLC1A2 protein (p.Ser441Gly).

NM_004171.4(SLC1A2):c.1321A>G (p.Ser441Gly)

Gene: SLC1A2 (solute carrier family 1 member 2; minus strand). Cytogenetic location: 11p13.
Variant type: single nucleotide variant.
Coding change: c.1321A>G on transcript NM_004171.4 (MANE Select); coding-DNA position 1321, A replaced by G.
Protein change: p.Ser441Gly; replaces serine 441 with glycine.
Molecular consequence: missense variant.
Genome position (GRCh38, 1-based): chr11:35,280,967, T>C on the plus strand (A>G on the coding strand, the complement: SLC1A2 is on the minus strand). VCF-style: chr11-35280967-T-C. GRCh37 (hg19) VCF-style: chr11-35302514-T-C.
Other names: c.1294A>G, p.Ser432Gly (NM_001195728.3, NM_001252652.2); short protein forms S432G, S441G.
Identifiers: ClinVar variation 1463390 (VCV001463390.6), dbSNP rs2134686100, ClinGen allele CA380121738.
Genomic context (GRCh38, chr11:35,280,967, plus strand): 5'-TTGGCAGGCCCACGGCTGTCAGAATGAGGAGCATGGTGACCAGCCCGGCACTGGGGATAC[T>C]GGCCGCGCCGACGCTTGCCAGGGTGGCTGTGAGGCTATGAGAACAGAGAAGTTCAGGTCA-3'
Protein context (NP_004162.2, residues 431-451): TATLASVGAA[Ser441Gly]IPSAGLVTML